The following is an entry in ClinVar:

NM_033026.6(PCLO):c.3382G>A (p.Ala1128Thr)

Gene: PCLO (piccolo presynaptic cytomatrix protein; minus strand). Cytogenetic location: 7q21.11.
Variant type: single nucleotide variant.
Coding change: c.3382G>A on transcript NM_033026.6 (MANE Select); coding-DNA position 3382, G replaced by A.
Protein change: p.Ala1128Thr; replaces alanine 1128 with threonine.
Molecular consequence: missense variant.
Genome position (GRCh38, 1-based): chr7:82,966,406, C>T on the plus strand (G>A on the coding strand, the complement: PCLO is on the minus strand). VCF-style: chr7-82966406-C-T. GRCh37 (hg19) VCF-style: chr7-82595722-C-T.
Other names: c.3382G>A, p.Ala1128Thr (NM_014510.3); short protein forms A1128T.
Identifiers: ClinVar variation 2103561 (VCV002103561.4), dbSNP rs2484205499, ClinGen allele CA367933803.
Genomic context (GRCh38, chr7:82,966,406, plus strand): 5'-TTTTCTGAGATGATGATTCTGTAGGAACAGGCATAGGAGATGCTTTGGGTCCTGATGGTG[C>T]AGGTGGCATTTTGCGTATGTCTCCAAGCTGTCCTGATATTGCTCTCTGGGTTTGGCAATT-3'
Protein context (NP_149015.2, residues 1118-1138): QLGDIRKMPP[Ala1128Thr]PSGPKASPMP

ClinVar aggregate classification (germline): Uncertain significance (1 of 4 stars; one submission).

Submission:

Labcorp Genetics (formerly Invitae), Labcorp
Classification: Uncertain significance. Last evaluated: 2024-10-16. Review status: criteria provided, single submitter. Criteria: Invitae Variant Classification Sherloc (09022015). Collection method: clinical testing. Allele origin: germline.
Comment: This sequence change replaces alanine, which is neutral and non-polar, with threonine, which is neutral and polar, at codon 1128 of the PCLO protein (p.Ala1128Thr). This variant is not present in population databases (gnomAD no frequency). This variant has not been reported in the literature in individuals affected with PCLO-related conditions. ClinVar contains an entry for this variant (Variation ID: 2103561). An algorithm developed to predict the effect of missense changes on protein structure and function outputs the following: PolyPhen-2: "Not Available". The threonine amino acid residue is found in multiple mammalian species, which suggests that this missense change does not adversely affect protein function. In summary, the available evidence is currently insufficient to determine the role of this variant in disease. Therefore, it has been classified as a Variant of Uncertain Significance.